The following is an entry in ClinVar:

ClinVar aggregate classification (germline): Pathogenic/Likely pathogenic. Review status: criteria provided, multiple submitters, no conflicts (2 of 4 stars). 2 submissions from 2 submitters: Pathogenic (1); Likely pathogenic (1). Last evaluated 2018-02-22.

Conditions:
CHARGE syndrome (CHARGE). Also called: Coloboma, heart anomaly, choanal atresia, retardation, genital and ear anomalies; CHARGE association; Hall-Hittner syndrome; CHARGE ASSOCIATION--COLOBOMA, HEART ANOMALY, CHOANAL ATRESIA, RETARDATION, GENITAL AND EAR ANOMALIES; Hittner Hirsch Kreh syndrome. Identifiers: Orphanet 138, MedGen C0265354, MONDO:0008965.

Submissions (2):

Labcorp Genetics (formerly Invitae), Labcorp
Classification: Pathogenic for CHARGE syndrome. Last evaluated: 2018-02-22. Review status: criteria provided, single submitter. Criteria: Invitae Variant Classification Sherloc (09022015). Collection method: clinical testing. Allele origin: germline.
Comment: For these reasons, this variant has been classified as Pathogenic. Donor and acceptor splice site variants typically lead to a loss of protein function (PMID: 16199547), and loss-of-function variants in CHD7 are known to be pathogenic (PMID: 22461308, 25077900). Algorithms developed to predict the effect of sequence changes on RNA splicing suggest that this variant may disrupt the consensus splice site, but this prediction has not been confirmed by published transcriptional studies. This variant has been reported to be de novo in an individual affected with CHARGE syndrome (Invitae). ClinVar contains an entry for this variant (Variation ID: 220434). This variant is not present in population databases (ExAC no frequency). This sequence change affects an acceptor splice site in intron 13 of the CHD7 gene. It is expected to disrupt RNA splicing and likely results in an absent or disrupted protein product.

Center for Human Genetics, Inc
Classification: Likely pathogenic for CHARGE syndrome. Last evaluated: 2016-11-01. Review status: criteria provided, single submitter. Criteria: ACMG Guidelines, 2015. Collection method: clinical testing. Allele origin: germline. Affected: yes.

Literature cited by the submitters: PubMed 16199547 (cited by Labcorp Genetics (formerly Invitae), Labcorp); PubMed 22461308 (cited by Labcorp Genetics (formerly Invitae), Labcorp); PubMed 25077900 (cited by Labcorp Genetics (formerly Invitae), Labcorp).

NM_017780.4(CHD7):c.3379-2A>C

Gene: CHD7 (chromodomain helicase DNA binding protein 7; plus strand). Cytogenetic location: 8q12.2.
Variant type: single nucleotide variant.
Coding change: c.3379-2A>C on transcript NM_017780.4 (MANE Select); the canonical splice acceptor site of the intron before coding-DNA position 3379, A replaced by C.
Molecular consequence: splice acceptor variant. On other transcripts: intron variant (1).
Genome position (GRCh38, 1-based): chr8:60,828,661, A>C. VCF-style: chr8-60828661-A-C. GRCh37 (hg19) VCF-style: chr8-61741220-A-C.
Other names: c.1717-33568A>C (NM_001316690.1).
Identifiers: ClinVar variation 220434 (VCV000220434.9), dbSNP rs864622523, ClinGen allele CA349389.